The following is an entry in ClinVar:

ClinVar aggregate classification (germline): Uncertain significance (1 of 4 stars; one submission).

Allele frequency attached by ClinVar (database versions not stated): TOPMed below 0.00001; ExAC 0.00001; ESP Exome Variant Server 0.00008.
gnomAD v4.1: 3 of 1,614,180 alleles (0.00019%); highest among the groups gnomAD compares: Non-Finnish European, 0.00025%; no homozygotes.

Submission:

Labcorp Genetics (formerly Invitae), Labcorp
Classification: Uncertain significance. Last evaluated: 2022-07-06. Review status: criteria provided, single submitter. Criteria: Invitae Variant Classification Sherloc (09022015). Collection method: clinical testing. Allele origin: germline.
Comment: This variant has not been reported in the literature in individuals affected with PCDH12-related conditions. This variant is present in population databases (rs375566712, gnomAD 0.007%). This sequence change replaces arginine, which is basic and polar, with serine, which is neutral and polar, at codon 782 of the PCDH12 protein (p.Arg782Ser). Advanced modeling of protein sequence and biophysical properties (such as structural, functional, and spatial information, amino acid conservation, physicochemical variation, residue mobility, and thermodynamic stability) performed at Invitae indicates that this missense variant is not expected to disrupt PCDH12 protein function. In summary, the available evidence is currently insufficient to determine the role of this variant in disease. Therefore, it has been classified as a Variant of Uncertain Significance.

NM_016580.4(PCDH12):c.2346G>C (p.Arg782Ser)

Genes: PCDH12 (protocadherin 12; minus strand), RNF14 (ring finger protein 14; plus strand). Cytogenetic location: 5q31.3.
Variant type: single nucleotide variant.
Coding change: c.2346G>C on transcript NM_016580.4 (MANE Select); coding-DNA position 2346, G replaced by C.
Protein change: p.Arg782Ser; replaces arginine 782 with serine.
Molecular consequence: missense variant.
Genome position (GRCh38, 1-based): chr5:141,955,506, C>G on the plus strand (G>C on the coding strand, the complement: PCDH12 is on the minus strand). VCF-style: chr5-141955506-C-G. GRCh37 (hg19) VCF-style: chr5-141335071-C-G.
Other names: short protein forms R782S.
Identifiers: ClinVar variation 1925493 (VCV001925493.5), dbSNP rs375566712, ClinGen allele CA3484231.
Genomic context (GRCh38, chr5:141,955,506, plus strand): 5'-CGCCTCCTTGTCCACATCTTTGTGGGACTGCCCGACTTCACAAGGCTCACCTGCCTGACC[C>G]CTGAGCACAGGCACGAGGTGGATGTCTGCCTTCTGAATGTGTTTCTGGGGCCTCTTGGGC-3'
Protein context (NP_057664.1, residues 772-792): KADIHLVPVL[Arg782Ser]GQAGEPCEVG